The following is an entry in ClinVar:

NM_001385012.1(NBEA):c.470T>A (p.Val157Asp)

Gene: NBEA (neurobeachin; plus strand). Cytogenetic location: 13q13.3.
Variant type: single nucleotide variant.
Coding change: c.470T>A on transcript NM_001385012.1 (MANE Select); coding-DNA position 470, T replaced by A.
Protein change: p.Val157Asp; replaces valine 157 with aspartic acid.
Molecular consequence: missense variant.
Genome position (GRCh38, 1-based): chr13:35,041,108, T>A. VCF-style: chr13-35041108-T-A. GRCh37 (hg19) VCF-style: chr13-35615245-T-A.
Other names: c.470T>A, p.Val157Asp (NM_001379245.1, NM_015678.5); short protein forms V157D.
Identifiers: ClinVar variation 5025355 (VCV005025355.1).

ClinVar aggregate classification (germline): Uncertain significance (1 of 4 stars; one submission).

Conditions:
Inborn genetic diseases. Identifiers: MedGen C0950123, MeSH D030342.

Submission:

Ambry Genetics
Classification: Uncertain significance for Inborn genetic diseases. Last evaluated: 2026-06-17. Review status: criteria provided, single submitter. Criteria: Ambry Variant Classification Scheme 2023. Collection method: clinical testing. Allele origin: germline.
Comment: The c.470T>A (p.V157D) alteration is located in exon 2 (coding exon 2) of the NBEA gene. This alteration results from a T to A substitution at nucleotide position 470, causing the valine (V) at amino acid position 157 to be replaced by an aspartic acid (D). Based on data from gnomAD, the A allele has an overall frequency of <0.001% (1/248446) total alleles studied. The highest observed frequency was 0.001% (1/112430) of European (non-Finnish) alleles. Based on insufficient or conflicting evidence, the clinical significance of this alteration remains unclear.